The following is an entry in ClinVar:

ClinVar aggregate classification (germline): Uncertain significance (1 of 4 stars; one submission).

Conditions:
ABCC2-related disorder. Also called: ABCC2-related condition.

gnomAD v4.1: 1 of 1,614,170 alleles (0.000062%); highest among the groups gnomAD compares: Non-Finnish European, 0.000085%; no homozygotes.

Submission:

PreventionGenetics, part of Exact Sciences
Classification: Uncertain significance for ABCC2-related condition. Last evaluated: 2024-10-23. Review status: criteria provided, single submitter. Criteria: ACMG Guidelines, 2015. Collection method: clinical testing. Allele origin: germline.
Comment: The ABCC2 c.3371C>T variant is predicted to result in the amino acid substitution p.Thr1124Ile. To our knowledge, this variant has not been reported in the literature. This variant is reported in 0.00088% of alleles in individuals of European (Non-Finnish) descent in gnomAD. At this time, the clinical significance of this variant is uncertain due to the absence of conclusive functional and genetic evidence.

NM_000392.5(ABCC2):c.3371C>T (p.Thr1124Ile)

Genes: ABCC2 (ATP binding cassette subfamily C member 2; plus strand), LOC126861013 (CDK7 strongly-dependent group 2 enhancer GRCh37_chr10:101593724-101594923; plus strand). Cytogenetic location: 10q24.2.
Variant type: single nucleotide variant.
Coding change: c.3371C>T on transcript NM_000392.5 (MANE Select); coding-DNA position 3371, C replaced by T.
Protein change: p.Thr1124Ile; replaces threonine 1124 with isoleucine.
Molecular consequence: missense variant.
Genome position (GRCh38, 1-based): chr10:99,834,492, C>T. VCF-style: chr10-99834492-C-T. GRCh37 (hg19) VCF-style: chr10-101594249-C-T.
Other names: short protein forms T1124I.
Identifiers: ClinVar variation 5001927 (VCV005001927.1).